The following is an entry in ClinVar:

ClinVar aggregate classification (germline): Uncertain significance (1 of 4 stars; one submission).

Conditions:
Charcot-Marie-Tooth disease axonal type 2O. Also called: CHARCOT-MARIE-TOOTH NEUROPATHY, AXONAL, TYPE 2O; CHARCOT-MARIE-TOOTH DISEASE, AXONAL, AUTOSOMAL DOMINANT, TYPE 2O; Charcot-Marie-Tooth Neuropathy Type 2O; Charcot-Marie-Tooth disease, axonal, type 20. Identifiers: Orphanet 284232, MedGen C3280220, MONDO:0013644, OMIM 614228.

Submission:

Labcorp Genetics (formerly Invitae), Labcorp
Classification: Uncertain significance for Charcot-Marie-Tooth disease axonal type 2O. Last evaluated: 2018-10-04. Review status: criteria provided, single submitter. Criteria: Invitae Variant Classification Sherloc (09022015). Collection method: clinical testing. Allele origin: germline.
Comment: This sequence change replaces lysine with asparagine at codon 1391 of the DYNC1H1 protein (p.Lys1391Asn). The lysine residue is highly conserved and there is a moderate physicochemical difference between lysine and asparagine. This variant is not present in population databases (ExAC no frequency) and has not been reported in the literature in individuals with a DYNC1H1-related disease. Algorithms developed to predict the effect of missense changes on protein structure and function (SIFT, PolyPhen-2, Align-GVGD) all suggest that this variant is likely to be tolerated, but these predictions have not been confirmed by published functional studies. In summary, this variant is a novel missense change that is not predicted to affect protein function. There is no indication that it causes disease, but the available evidence is currently insufficient to prove that conclusively. Therefore, it has been classified as a Variant of Uncertain Significance.

NM_001376.5(DYNC1H1):c.4173A>C (p.Lys1391Asn)

Gene: DYNC1H1 (dynein cytoplasmic 1 heavy chain 1; plus strand). Cytogenetic location: 14q32.31.
Variant type: single nucleotide variant.
Coding change: c.4173A>C on transcript NM_001376.5 (MANE Select); coding-DNA position 4173, A replaced by C.
Protein change: p.Lys1391Asn; replaces lysine 1391 with asparagine.
Molecular consequence: missense variant.
Genome position (GRCh38, 1-based): chr14:102,001,052, A>C. VCF-style: chr14-102001052-A-C. GRCh37 (hg19) VCF-style: chr14-102467389-A-C.
Other names: short protein forms K1391N.
Identifiers: ClinVar variation 472531 (VCV000472531.9), dbSNP rs1555409283, ClinGen allele CA391039872.